The following is an entry in ClinVar:

NM_000071.3(CBS):c.*565C>T

Gene: CBS (cystathionine beta-synthase; minus strand). Cytogenetic location: 21q22.3.
Variant type: single nucleotide variant.
Coding change: c.*565C>T on transcript NM_000071.3 (MANE Select); 565 bases downstream of the stop codon, C replaced by T.
Molecular consequence: 3 prime UTR variant.
Genome position (GRCh38, 1-based): chr21:43,053,315, G>A on the plus strand (C>T on the coding strand, the complement: CBS is on the minus strand). VCF-style: chr21-43053315-G-A. GRCh37 (hg19) VCF-style: chr21-44473425-G-A.
Other names: c.*565C>T (NM_001178008.3, NM_001320298.2, NM_001321072.1); c.*351C>T (NM_001178009.3).
Identifiers: ClinVar variation 340072 (VCV000340072.7), dbSNP rs706209, ClinGen allele CA10650541.

ClinVar aggregate classification (germline): Benign. Review status: criteria provided, multiple submitters, no conflicts (2 of 4 stars). 3 submissions from 3 submitters: Benign (3). Last evaluated 2021-05-10.

Conditions:
Classic homocystinuria. Also called: Homocystinuria due to Cystathionine Beta-Synthase Deficiency; HOMOCYSTINURIA WITH OR WITHOUT RESPONSE TO PYRIDOXINE; Homocystinuria due to CBS deficiency; Cystathionine beta-synthase deficiency; CBS deficiency. Identifiers: Orphanet 394, MedGen C0751202, MONDO:0009352, OMIM 236200.

Allele frequency attached by ClinVar (database versions not stated): 1000 Genomes Project 0.36542; gnomAD 0.39516.

Submissions (3):

GeneDx
Classification: Benign. Last evaluated: 2021-05-10. Review status: criteria provided, single submitter. Criteria: GeneDx Variant Classification Process June 2021. Collection method: clinical testing. Allele origin: germline. Affected: yes.

Illumina Laboratory Services, Illumina
Classification: Benign for Classic homocystinuria. Last evaluated: 2018-01-13. Review status: criteria provided, single submitter. Criteria: ICSL Variant Classification Criteria 13 December 2019. Collection method: clinical testing. Allele origin: germline.
Comment: This variant was observed in the ICSL laboratory as part of a predisposition screen in an ostensibly healthy population. It had not been previously curated by ICSL or reported in the Human Gene Mutation Database (HGMD: prior to June 1st, 2018), and was therefore a candidate for classification through an automated scoring system. Utilizing variant allele frequency, disease prevalence and penetrance estimates, and inheritance mode, an automated score was calculated to assess if this variant is too frequent to cause the disease. Based on the score and internal cut-off values, a variant classified as benign is not then subjected to further curation. The score for this variant resulted in a classification of benign for this disease.

Breakthrough Genomics
Classification: Benign. Review status: criteria provided, single submitter. Criteria: ACMG Guidelines, 2015. Collection method: not provided. Allele origin: germline. Inheritance: Autosomal recessive inheritance. Affected: yes.